The following is an entry in ClinVar:

NM_004304.5(ALK):c.1796C>T (p.Pro599Leu)

Gene: ALK (ALK receptor tyrosine kinase; minus strand). Cytogenetic location: 2p23.2.
Variant type: single nucleotide variant.
Coding change: c.1796C>T on transcript NM_004304.5 (MANE Select); coding-DNA position 1796, C replaced by T.
Protein change: p.Pro599Leu; replaces proline 599 with leucine.
Molecular consequence: missense variant.
Genome position (GRCh38, 1-based): chr2:29,296,909, G>A on the plus strand (C>T on the coding strand, the complement: ALK is on the minus strand). VCF-style: chr2-29296909-G-A. GRCh37 (hg19) VCF-style: chr2-29519775-G-A.
Other names: c.1796C>T (NM_004304.4); short protein forms P599L.
Identifiers: ClinVar variation 4724203 (VCV004724203.2).

ClinVar aggregate classification (germline): Uncertain significance. Review status: criteria provided, multiple submitters, no conflicts (2 of 4 stars). 2 submissions from 2 submitters: Uncertain significance (2). Last evaluated 2026-07-13.

Conditions:
Neuroblastoma, susceptibility to, 3. Also called: ALK-Related Neuroblastic Tumor Susceptibility. Identifiers: Orphanet 635, MedGen C2751681, MONDO:0013083, OMIM 613014.
Hereditary cancer-predisposing syndrome. Also called: Hereditary Cancer Syndrome; Hereditary neoplastic syndrome; Neoplastic Syndromes, Hereditary; Tumor predisposition. Identifiers: Orphanet 140162, MedGen C0027672, MeSH D009386, MONDO:0015356.

Submissions (2):

Ambry Genetics
Classification: Uncertain significance for Hereditary cancer-predisposing syndrome. Last evaluated: 2026-07-13. Review status: criteria provided, single submitter. Criteria: Ambry Variant Classification Scheme 2023. Collection method: clinical testing. Allele origin: germline.
Comment: The p.P599L variant (also known as c.1796C>T), located in coding exon 9 of the ALK gene, results from a C to T substitution at nucleotide position 1796. The proline at codon 599 is replaced by leucine, an amino acid with similar properties. This amino acid position is conserved. In addition, this alteration is predicted to be tolerated by in silico analysis. Based on the available evidence, the clinical significance of this variant remains unclear.

Labcorp Genetics (formerly Invitae), Labcorp
Classification: Uncertain significance for Neuroblastoma, susceptibility to, 3. Last evaluated: 2025-07-29. Review status: criteria provided, single submitter. Criteria: Invitae Variant Classification Sherloc (09022015). Collection method: clinical testing. Allele origin: germline.
Comment: This sequence change replaces proline, which is neutral and non-polar, with leucine, which is neutral and non-polar, at codon 599 of the ALK protein (p.Pro599Leu). This variant is not present in population databases (gnomAD no frequency). This variant has not been reported in the literature in individuals affected with ALK-related conditions. An algorithm developed to predict the effect of missense changes on protein structure and function (PolyPhen-2) suggests that this variant is likely to be disruptive. In summary, the available evidence is currently insufficient to determine the role of this variant in disease. Therefore, it has been classified as a Variant of Uncertain Significance.